The following is an entry in ClinVar:

ClinVar aggregate classification (germline): Benign/Likely benign. Review status: criteria provided, multiple submitters, no conflicts (2 of 4 stars). 12 submissions from 12 submitters: Benign (2); Likely benign (9). 1 of the submissions does not count toward it. Last evaluated 2026-01-28.

Conditions:
RB1-related disorder. Also called: RB1-related condition.
Small cell lung carcinoma. Also called: Small cell lung cancer; SMALL CELL CANCER OF THE LUNG, SOMATIC; Lung oat cell carcinoma. Identifiers: Orphanet 70573, MedGen C0149925, MeSH D055752, MONDO:0008433, OMIM 182280, HP:0030357.
Retinoblastoma (RB1). Also called: RETINOBLASTOMA, SOMATIC. Identifiers: Orphanet 790, MedGen C0035335, MeSH D012175, MONDO:0008380, OMIM 180200, HP:0009919. Disease mechanism: loss of function. Inheritance: Both sporadic and heritable forms are tested..
Malignant tumor of urinary bladder. Also called: Bladder cancer; Urinary Bladder Neoplasms; Urinary bladder cancer. Identifiers: MedGen C0005684, MONDO:0001187, OMIM 109800.
Bone osteosarcoma. Also called: Osteosarcoma, somatic. Identifiers: Orphanet 668, MedGen C0585442, MONDO:0002629, OMIM 259500.
Hereditary cancer-predisposing syndrome. Also called: Tumor predisposition; Neoplastic Syndromes, Hereditary; Hereditary Cancer Syndrome; Hereditary neoplastic syndrome. Identifiers: Orphanet 140162, MedGen C0027672, MeSH D009386, MONDO:0015356.

Allele frequency attached by ClinVar (database versions not stated): ESP Exome Variant Server 0.00008; gnomAD exomes 0.00008 and 0.00016; gnomAD 0.00009; TOPMed 0.00009; ExAC 0.00011.
gnomAD v4.1: 134 of 1,612,152 alleles (0.0083%); highest among the groups gnomAD compares: Non-Finnish European, 0.0012%; 1 homozygote.

Submissions (12):

Labcorp Genetics (formerly Invitae), Labcorp
Classification: Benign for Retinoblastoma. Last evaluated: 2026-01-28. Review status: criteria provided, single submitter. Criteria: Invitae Variant Classification Sherloc (09022015). Collection method: clinical testing. Allele origin: germline.

PreventionGenetics, part of Exact Sciences
Classification: Likely benign for RB1-related condition. Last evaluated: 2026-01-06. Review status: criteria provided, single submitter. Criteria: ACMG Guidelines, 2015. Collection method: clinical testing. Allele origin: germline.
Comment: This variant is classified as likely benign based on ACMG/AMP sequence variant interpretation guidelines (Richards et al. 2015 PMID: 25741868, with internal and published modifications).

CeGaT Center for Human Genetics Tuebingen
Classification: Likely benign. Last evaluated: 2025-06-01. Review status: criteria provided, single submitter. Criteria: CeGaT Center For Human Genetics Tuebingen Variant Classification Criteria Version 2. Collection method: clinical testing. Allele origin: germline. Affected: yes. Observed: 2 variant alleles.
Comment: RB1: BS1

Blueprint Genetics
Classification: Likely benign. Last evaluated: 2024-09-02. Review status: criteria provided, single submitter. Criteria: ACMG Guidelines, 2015. Collection method: clinical testing. Allele origin: germline.

Department of Pathology and Laboratory Medicine, Sinai Health System
Classification: Likely benign for Malignant tumor of urinary bladder; Retinoblastoma; Small cell lung carcinoma; Bone osteosarcoma. Last evaluated: 2023-04-25. Review status: criteria provided, single submitter. Criteria: ACMG Guidelines, 2015. Collection method: clinical testing. Allele origin: germline. Affected: yes.

Color Diagnostics, LLC DBA Color Health
Classification: Benign for Retinoblastoma. Last evaluated: 2022-04-26. Review status: criteria provided, single submitter. Criteria: ACMG Guidelines, 2015. Collection method: clinical testing. Allele origin: germline.

Sema4
Classification: Likely benign for Hereditary cancer-predisposing syndrome. Last evaluated: 2021-12-14. Review status: criteria provided, single submitter. Criteria: Sema4 Curation Guidelines. Collection method: curation. Allele origin: germline.

Women's Health and Genetics/Laboratory Corporation of America, LabCorp
Classification: Likely benign. Last evaluated: 2021-12-07. Review status: criteria provided, single submitter. Criteria: LabCorp Variant Classification Summary - May 2015. Collection method: clinical testing. Allele origin: germline.
Comment: Variant summary: RB1 c.628G>T (p.Asp210Tyr) results in a non-conservative amino acid change located in the Retinoblastoma-associated protein, N-terminal domain (IPR024599) of the encoded protein sequence. Five of five in-silico tools predict a damaging effect of the variant on protein function. The variant allele was found at a frequency of 0.00016 in 250442 control chromosomes, predominantly at a frequency of 0.0038 within the Ashkenazi Jewish subpopulation in the gnomAD database. The observed variant frequency within Ashkenazi Jewish control individuals in the gnomAD database is approximately 91-fold of the estimated maximal expected allele frequency for a pathogenic variant in RB1 causing Retinoblastoma phenotype (4.2e-05), strongly suggesting that the variant is a benign polymorphism found primarily in populations of Ashkenazi Jewish origin. c.628G>T has been reported in the literature as a secondary finding in a study of cancer susceptibility genes in individuals affected with atherosclerosis (Johnston_2012). This report does not provide conclusions about association of the variant with Retinoblastoma. To our knowledge, no experimental evidence demonstrating an impact on protein function has been reported. Four ClinVar submitters have assessed the variant since 2014: three have classified the variant as likely benign and one as benign. Based on the evidence outlined above, the variant was classified as likely benign.

Ambry Genetics
Classification: Likely benign for Hereditary cancer-predisposing syndrome. Last evaluated: 2020-08-14. Review status: criteria provided, single submitter. Criteria: Ambry Variant Classification Scheme 2023. Collection method: clinical testing. Allele origin: germline.

GeneDx
Classification: Likely benign. Last evaluated: 2018-02-15. Review status: criteria provided, single submitter. Criteria: GeneDx Variant Classification (06012015). Collection method: clinical testing. Allele origin: germline. Affected: yes.
Comment: This variant is considered likely benign or benign based on one or more of the following criteria: it is a conservative change, it occurs at a poorly conserved position in the protein, it is predicted to be benign by multiple in silico algorithms, and/or has population frequency not consistent with disease.

Illumina Laboratory Services, Illumina
Classification: Likely benign for Retinoblastoma. Last evaluated: 2017-04-27. Review status: criteria provided, single submitter. Criteria: ICSL Variant Classification Criteria 13 December 2019. Collection method: clinical testing. Allele origin: germline.
Comment: This variant was observed as part of a predisposition screen in an ostensibly healthy population. A literature search was performed for the gene, cDNA change, and amino acid change (where applicable). Publications were found based on this search. The evidence from the literature, in combination with allele frequency data from public databases where available, was sufficient to determine this variant is unlikely to cause disease. Therefore, this variant is classified as likely benign.

Biesecker Lab/Clinical Genomics Section, National Institutes of Health
Classification: Uncertain significance. Last evaluated: 2012-07-13. Review status: no assertion criteria provided. Collection method: research. Allele origin: germline. Affected: no. Observed: 1 variant allele. Study: ClinSeq. Not counted in ClinVar's aggregate classification.
ClinVar note: Converted during submission from variant of unknown significance to Uncertain significance.

Literature cited by the submitters: PubMed 29607586 (cited by Women's Health and Genetics/Laboratory Corporation of America, LabCorp); PubMed 26934580 (cited by Ambry Genetics); PubMed 28301456 (cited by Ambry Genetics).

NM_000321.3(RB1):c.628G>T (p.Asp210Tyr)

Gene: RB1 (RB transcriptional corepressor 1; plus strand). Cytogenetic location: 13q14.2.
Variant type: single nucleotide variant.
Coding change: c.628G>T on transcript NM_000321.3 (MANE Select); coding-DNA position 628, G replaced by T.
Protein change: p.Asp210Tyr; replaces aspartic acid 210 with tyrosine.
Molecular consequence: missense variant.
Genome position (GRCh38, 1-based): chr13:48,360,037, G>T. VCF-style: chr13-48360037-G-T. GRCh37 (hg19) VCF-style: chr13-48934173-G-T.
Other names: short protein forms D210Y.
Identifiers: ClinVar variation 41685 (VCV000041685.50), dbSNP rs148992508, ClinGen allele CA026464.